The following is an entry in ClinVar:

NM_170682.4(P2RX2):c.491A>T (p.Gln164Leu)

Gene: P2RX2 (purinergic receptor P2X 2; plus strand). Cytogenetic location: 12q24.33.
Variant type: single nucleotide variant.
Coding change: c.491A>T on transcript NM_170682.4 (MANE Select); coding-DNA position 491, A replaced by T.
Protein change: p.Gln164Leu; replaces glutamine 164 with leucine.
Molecular consequence: missense variant. On other transcripts: splice acceptor variant (1).
Genome position (GRCh38, 1-based): chr12:132,620,033, A>T. VCF-style: chr12-132620033-A-T. GRCh37 (hg19) VCF-style: chr12-133196619-A-T.
Other names: c.491A>T, p.Gln164Leu (NM_001282165.2, NM_170683.4, NM_174873.3); c.275A>T, p.Gln92Leu (NM_012226.5); c.419A>T, p.Gln140Leu (NM_016318.4); c.215A>T, p.Gln72Leu (NM_174872.3); c.386-2A>T (NM_001282164.2); short protein forms Q140L, Q164L, Q92L, Q72L.
Identifiers: ClinVar variation 3669375 (VCV003669375.2).
Genomic context (GRCh38, chr12:132,620,033, plus strand): 5'-AATGCCTCAGTGACCTCTGCCTCCCAGGCCTGAGGACTGGGCGCTGTGTGCCCTATTACC[A>T]GGGGCCCTCCAAGACCTGCGAGGTGTTCGGCTGGTGCCCGGTGGAAGATGGGGCCTCTGT-3'
Protein context (NP_733782.1, residues 154-174): LRTGRCVPYY[Gln164Leu]GPSKTCEVFG

ClinVar aggregate classification (germline): Uncertain significance (1 of 4 stars; one submission).

Submission:

Labcorp Genetics (formerly Invitae), Labcorp
Classification: Uncertain significance. Last evaluated: 2025-01-22. Review status: criteria provided, single submitter. Criteria: Invitae Variant Classification Sherloc (09022015). Collection method: clinical testing. Allele origin: germline.
Comment: This sequence change replaces glutamine, which is neutral and polar, with leucine, which is neutral and non-polar, at codon 164 of the P2RX2 protein (p.Gln164Leu). This variant is not present in population databases (gnomAD no frequency). This variant has not been reported in the literature in individuals affected with P2RX2-related conditions. Invitae Evidence Modeling of protein sequence and biophysical properties (such as structural, functional, and spatial information, amino acid conservation, physicochemical variation, residue mobility, and thermodynamic stability) indicates that this missense variant is not expected to disrupt P2RX2 protein function with a negative predictive value of 80%. In summary, the available evidence is currently insufficient to determine the role of this variant in disease. Therefore, it has been classified as a Variant of Uncertain Significance.